The following continues an entry in ClinVar:

NM_007294.4(BRCA1):c.3331_3334del (p.Gln1111fs)

ClinVar aggregate classification (germline): Pathogenic. Pathogenic (1).

Submissions 9 to 25 of 42:

OLLIN Analises Genomicas, OLLIN
Classification: Pathogenic for Breast-ovarian cancer, familial, susceptibility to, 1. Last evaluated: 2024-11-14. Review status: criteria provided, single submitter. Criteria: ACMG Guidelines 2015 PMID 25741868. Collection method: clinical testing. Allele origin: germline. Affected: yes. Observed: 1 variant allele. Not counted in ClinVar's aggregate classification.
Comment: The frameshift variant (chr17:43092196 TCTTG>T), located in exon 10 (of 23), present in gnomAD v4.1 non-UKB with an allele frequency of 0.001%, is reported in ClinVar (VCV000037523.63) and in the scientific literature (PMID: 20104584, 22044689, 24742220, 24916970, 27741520, 29161300). This variant promotes a frameshift with subsequent introduction of a premature stop codon, resulting in a truncated protein or mRNA degradation via nonsense-mediated decay (NMD). According to currently available evidence and the specific interpretation and classification criteria for the gene from ClinGen (PMID: 39142283), this variant has been classified as pathogenic (PVS1, PS4).

Quest Diagnostics Nichols Institute San Juan Capistrano
Classification: Pathogenic. Last evaluated: 2024-05-22. Review status: criteria provided, single submitter. Criteria: Quest Diagnostics criteria. Collection method: clinical testing. Allele origin: unknown. Not counted in ClinVar's aggregate classification.
Comment: The BRCA1 c.3331_3334del (p.Gln1111Asnfs*5) variant alters the translational reading frame of the BRCA1 mRNA and causes the premature termination of BRCA1 protein synthesis. This variant has been reported in the published literature in individuals affected with breast, ovarian and gastric cancer (PMIDs: 30535581 (2019), 30322717 (2018), 30078507 (2018), 29161300 (2017), 29088781 (2017), 28680148 (2017), 28024868 (2017), 27914478 (2016), 27081505 (2014), 23683081 (2013), and 21603858 (2012)). It is also described as a founder variant in populations with Iberian (Spanish or Portuguese) ancestry in the published literature (PMID: 33087180 (2020), 29088781 (2017), 28680148 (2017), 21603858 (2012)). The frequency of this variant in the general population, 0.00002 (3/152180 chromosomes (Genome Aggregation Database)), is consistent with pathogenicity. Based on the available information, this variant is classified as pathogenic.

Revvity Omics, Revvity
Classification: Pathogenic. Last evaluated: 2024-01-04. Review status: criteria provided, single submitter. Criteria: ACMG Guidelines, 2015. Collection method: clinical testing. Allele origin: germline. Not counted in ClinVar's aggregate classification.

Blueprint Genetics
Classification: Pathogenic for BRCA1-related disorders. Last evaluated: 2023-12-27. Review status: criteria provided, single submitter. Criteria: ACMG Guidelines, 2015. Collection method: clinical testing. Allele origin: germline. Affected: yes. Observed: 2 variant alleles. Not counted in ClinVar's aggregate classification.

All of Us Research Program, National Institutes of Health
Classification: Pathogenic for Breast-ovarian cancer, familial, susceptibility to, 1. Last evaluated: 2023-12-15. Review status: criteria provided, single submitter. Criteria: ACMG Guidelines, 2015. Collection method: clinical testing. Allele origin: germline. Inheritance: Autosomal dominant inheritance. Observed: 2 variant alleles, 2 heterozygotes. Not counted in ClinVar's aggregate classification.
Comment: This variant deletes 4 nucleotides in exon 10 of the BRCA1 gene, creating a frameshift and premature translation stop signal. This variant is expected to result in an absent or non-functional protein product. This variant is reported as a common cause of hereditary breast and ovarian cancer in Latin American populations (PMID: 17080309, 27286788, 29088781). This variant has not been identified in the general population by the Genome Aggregation Database (gnomAD). Loss of BRCA1 function is a known mechanism of disease. Based on the available evidence, this variant is classified as Pathogenic.

This study involves interpretation of variants in research participants for the purpose of population health screening. Participant phenotype was not available at the time of variant classification. Additional details can be found in publication PMID: 35346344, PMCID: PMC8962531

Mayo Clinic Laboratories, Mayo Clinic
Classification: Pathogenic. Last evaluated: 2023-11-06. Review status: criteria provided, single submitter. Criteria: ACMG Guidelines, 2015. Collection method: clinical testing. Allele origin: germline. Observed: 1 variant allele. Not counted in ClinVar's aggregate classification.
Comment: PM2, PM5_strong, PVS1

Baylor Genetics
Classification: Pathogenic for Breast-ovarian cancer, familial, susceptibility to, 1. Last evaluated: 2023-11-02. Review status: criteria provided, single submitter. Criteria: ACMG Guidelines, 2015. Collection method: clinical testing. Allele origin: unknown. Not counted in ClinVar's aggregate classification.

GeneDx
Classification: Pathogenic. Last evaluated: 2023-06-07. Review status: criteria provided, single submitter. Criteria: GeneDx Variant Classification Process June 2021. Collection method: clinical testing. Allele origin: germline. Affected: yes. Not counted in ClinVar's aggregate classification.
Comment: Reported in patients with personal and/or family histories of breast and/or ovarian cancer, segregating with cancer in at least one family, and likely represents a Spanish founder variant (Durocher 1996, Panguluri 1999, Torres 2007, Zhang 2011, Rodriguez 2012, Blay 2013, Laraqui 2013, Felix 2014, Peixoto 2014, Fernandes 2016, Maistro 2016); Frameshift variant predicted to result in protein truncation or nonsense mediated decay in a gene for which loss-of-function is a known mechanism of disease; Not observed at significant frequency in large population cohorts (gnomAD); Truncating variants in this gene are considered pathogenic by a well-established clinical consortium and/or database; Also known as 3450del4, 3450delCAAG, and c.3450_3453delCAAG; This variant is associated with the following publications: (PMID: 24742220, 11376024, 22044689, 23683081, 11030417, 11857748, 24916970, 17080309, 31921681, 27741520, 34657373, 34413315, 32438681, 28888541, 17591843, 21324516, 24764757, 27081505, 7493024, 19377795, 21603858, 23289006, 20104584, 10480351, 26071757, 27469594, 27425403, 27914478, 28127413, 28024868, 27286788, 8933332, 19098453, 29101607, 29088781, 28477318, 29339979, 29907814, 28680148, 29161300, 30606148, 30078507, 30322717, 30535581, 30736435, 31447099, 32039725, 33646313, 32341426, 32719484, 33087180, 31892343, 33758026, 34645131, 35264596, 34567246, 35464868)

Greenwood Genetic Center Diagnostic Laboratories, Greenwood Genetic Center
Classification: Pathogenic for Hereditary breast and ovarian cancer. Last evaluated: 2023-03-22. Review status: criteria provided, single submitter. Criteria: ACMG Guidelines, 2015. Collection method: clinical testing. Allele origin: germline. Not counted in ClinVar's aggregate classification.
Comment: PVS1, PS4

Clinical Genetics Laboratory, Skane University Hospital Lund
Classification: Pathogenic. Last evaluated: 2023-03-08. Review status: criteria provided, single submitter. Criteria: ACMG Guidelines, 2015. Collection method: clinical testing. Allele origin: germline. Affected: yes. Not counted in ClinVar's aggregate classification.

Laboratorio de Genetica e Diagnostico Molecular, Hospital Israelita Albert Einstein
Classification: Pathogenic for Breast-ovarian cancer, familial, susceptibility to, 1. Last evaluated: 2023-01-27. Review status: criteria provided, single submitter. Criteria: ACMG Guidelines, 2015. Collection method: clinical testing. Allele origin: germline. Affected: yes. Observed: 5 variant alleles. Not counted in ClinVar's aggregate classification.
Comment: ACMG classification criteria: PVS1 very strong, PS4 strong, PM2 moderated, PP1 strong

Centre for Mendelian Genomics, University Medical Centre Ljubljana
Classification: Pathogenic for Breast-ovarian cancer, familial, susceptibility to, 1. Last evaluated: 2022-12-09. Review status: criteria provided, single submitter. Criteria: ACMG Guidelines, 2015. Collection method: research. Allele origin: germline. Affected: no. Not counted in ClinVar's aggregate classification.
Comment: PVS1, PS3, PS4_STR PM2_SUP

CHEO Genetics Diagnostic Laboratory, Children's Hospital of Eastern Ontario
Classification: Pathogenic for Breast and/or ovarian cancer. Last evaluated: 2022-05-26. Review status: criteria provided, single submitter. Criteria: ACMG Guidelines, 2015. Collection method: clinical testing. Allele origin: germline. Study: Canadian Open Genetics Repository. Not counted in ClinVar's aggregate classification.

Fulgent Genetics
Classification: Pathogenic for Familial cancer of breast; Breast-ovarian cancer, familial, susceptibility to, 1; Pancreatic cancer, susceptibility to, 4; Fanconi anemia, complementation group S. Last evaluated: 2022-04-17. Review status: criteria provided, single submitter. Criteria: ACMG Guidelines, 2015. Collection method: clinical testing. Allele origin: unknown. Not counted in ClinVar's aggregate classification.

Dasa
Classification: Pathogenic for Breast-ovarian cancer, familial, susceptibility to, 1. Last evaluated: 2022-03-05. Review status: criteria provided, single submitter. Criteria: ACMG Guidelines, 2015. Collection method: clinical testing. Allele origin: germline. Affected: yes. Observed: 1 variant allele. Not counted in ClinVar's aggregate classification.
Comment: The c.3331_3334del;p.(Gln1111Asnfs*5) is a null frameshift variant (NMD) in the BRCA1 gene and predicts alteration of the nonsense-mediate decay - NMD is present in a relevant exon to the transcript - PVS1. This sequence change has been observed in affected individual(s) and ClinVar contains an entry for this variant (ClinVar ID: 37523; PMID: 24742220; 24916970; PMID: 27741520; PMID: 29161300) - PS4. This variant is not present in population databases (rs80357701- gnomAD; ABraOM no frequency) - PM2. In summary, the currently available evidence indicates that the variant is pathogenic.

GeneKor MSA
Classification: Pathogenic. Last evaluated: 2020-01-01. Review status: criteria provided, single submitter. Criteria: ACMG Guidelines, 2015. Collection method: clinical testing. Allele origin: germline. Not counted in ClinVar's aggregate classification.
Comment: This is a deletion of 4 base pairs from exon 10 of the BRCA1 mRNA (c.3331_3334delCAAG), which results in frameshift at codon 1111 and creation of a novel stop codon 5 amino acid residues later. It is expected to result in a truncated, non-functional protein. This variant has also been described in mutation databases as 3450del4. The mutation database ClinVar contains entries for this variant (Variation ID: 37523).

Mendelics
Classification: Pathogenic for Breast-ovarian cancer, familial, susceptibility to, 1. Last evaluated: 2019-05-28. Review status: criteria provided, single submitter. Criteria: Mendelics Assertion Criteria 2017. Collection method: clinical testing. Allele origin: unknown. Not counted in ClinVar's aggregate classification.